The following is an entry in ClinVar:

NM_054012.4(ASS1):c.584T>C (p.Leu195Pro)

Gene: ASS1 (argininosuccinate synthase 1; plus strand). Cytogenetic location: 9q34.11.
Variant type: single nucleotide variant.
Coding change: c.584T>C on transcript NM_054012.4 (MANE Select); coding-DNA position 584, T replaced by C.
Protein change: p.Leu195Pro; replaces leucine 195 with proline.
Molecular consequence: missense variant.
Genome position (GRCh38, 1-based): chr9:130,471,502, T>C. VCF-style: chr9-130471502-T-C. GRCh37 (hg19) VCF-style: chr9-133346889-T-C.
Other names: p.L195P:CTG>CCG; c.584T>C, p.Leu195Pro (NM_000050.4); short protein forms L195P.
Identifiers: ClinVar variation 203636 (VCV000203636.7), dbSNP rs796051936, ClinGen allele CA312360.

ClinVar aggregate classification (germline): Conflicting classifications of pathogenicity. Review status: criteria provided, conflicting classifications (1 of 4 stars). 2 submissions from 2 submitters: Likely pathogenic (1); Uncertain significance (1). Last evaluated 2021-09-17.

Conditions:
Citrullinemia. Identifiers: Orphanet 187, MedGen C0175683, MONDO:0015991.

Submissions (2):

Labcorp Genetics (formerly Invitae), Labcorp
Classification: Uncertain significance for Citrullinemia. Last evaluated: 2021-09-17. Review status: criteria provided, single submitter. Criteria: Invitae Variant Classification Sherloc (09022015). Collection method: clinical testing. Allele origin: germline.
Comment: This sequence change replaces leucine with proline at codon 195 of the ASS1 protein (p.Leu195Pro). The leucine residue is highly conserved and there is a moderate physicochemical difference between leucine and proline. This variant is not present in population databases (ExAC no frequency). This variant has not been reported in the literature in individuals affected with ASS1-related conditions. ClinVar contains an entry for this variant (Variation ID: 203636). Algorithms developed to predict the effect of missense changes on protein structure and function are either unavailable or do not agree on the potential impact of this missense change (SIFT: "Deleterious"; PolyPhen-2: "Probably Damaging"; Align-GVGD: "Class C0"). In summary, the available evidence is currently insufficient to determine the role of this variant in disease. Therefore, it has been classified as a Variant of Uncertain Significance.

GeneDx
Classification: Likely pathogenic. Last evaluated: 2014-09-11. Review status: criteria provided, single submitter. Criteria: GeneDx Variant Classification (06012015). Collection method: clinical testing. Allele origin: germline. Affected: yes.
Comment: p.Leu195Pro (CTG>CCG): c.584 T>C in exon 9 of the ASS1 gene (NM_000050.4). The L195P variant that is likely pathogenic identified in the ASS1 gene. It has not been published as a mutation, nor has it been reported as a benign polymorphism to our knowledge. The L195P variant is a semi-conservative amino acid substitution, which may impact secondary protein structure as these residues differ in some properties. This substitution occurs at a position that is conserved across species and in silico analysis predicts this variant is probably damaging to the protein structure/function. Missense mutations in nearby residues (Y190D, E191K, E191Q, A192V, A202E) have been reported in association with citrullinemia, supporting the functional importance of this region of the protein. Therefore, this variant is a strong candidate for a pathogenic mutation, however the possibility that it is a benign variant cannot be excluded. The variant is found in UCD-MET panel.